The following is an entry in ClinVar:

ClinVar aggregate classification (germline): Pathogenic (1 of 4 stars; one submission).

Conditions:
Schimke immuno-osseous dysplasia (SIOD). Also called: Schimke Immunoosseous Dysplasia. Identifiers: Orphanet 1830, MedGen C0877024, MONDO:0009458, OMIM 242900.

Submission:

Labcorp Genetics (formerly Invitae), Labcorp
Classification: Pathogenic for Schimke immuno-osseous dysplasia. Last evaluated: 2023-03-12. Review status: criteria provided, single submitter. Criteria: Invitae Variant Classification Sherloc (09022015). Collection method: clinical testing. Allele origin: germline.
Comment: This sequence change creates a premature translational stop signal (p.Glu303*) in the SMARCAL1 gene. It is expected to result in an absent or disrupted protein product. Loss-of-function variants in SMARCAL1 are known to be pathogenic (PMID: 11799392, 20301550). For these reasons, this variant has been classified as Pathogenic. Algorithms developed to predict the effect of sequence changes on RNA splicing suggest that this variant may disrupt the consensus splice site. This variant has not been reported in the literature in individuals affected with SMARCAL1-related conditions. This variant is not present in population databases (gnomAD no frequency).

Literature cited by the submitters: PubMed 11799392; PubMed 20301550.

NM_014140.4(SMARCAL1):c.907G>T (p.Glu303Ter)

Gene: SMARCAL1 (SNF2 related chromatin remodeling annealing helicase 1; plus strand). Cytogenetic location: 2q35.
Variant type: single nucleotide variant.
Coding change: c.907G>T on transcript NM_014140.4 (MANE Select); coding-DNA position 907, G replaced by T.
Protein change: p.Glu303Ter; replaces glutamic acid 303 with a stop codon.
Molecular consequence: nonsense.
Genome position (GRCh38, 1-based): chr2:216,420,343, G>T. VCF-style: chr2-216420343-G-T. GRCh37 (hg19) VCF-style: chr2-217285066-G-T.
Other names: c.907G>T, p.Glu303Ter (NM_001127207.2); short protein forms E303*.
Identifiers: ClinVar variation 2845246 (VCV002845246.3), dbSNP rs2469620766, ClinGen allele CA350498336.
Genomic context (GRCh38, chr2:216,420,343, plus strand): 5'-TCTTCTTCTTTGGCAGTGAAAGCAGCCCAGAGCCTCCCCACGGTCAACCTGCAGCCTCTG[G>T]AATGGGCCTATGGCAGCAGCGAGTCACCCTCCACCAGCAGTGAGGGACAGGCCGGCCTTC-3'